The following is an entry in ClinVar:

ClinVar aggregate classification (germline): Pathogenic (1 of 4 stars; one submission).

Conditions:
MHC class II deficiency. Also called: Bare lymphocyte syndrome 2; BLS, TYPE II. Identifiers: Orphanet 572, MedGen C5447452, MONDO:0008855.

Allele frequency attached by ClinVar (database versions not stated): ExAC 0.00001; gnomAD exomes below 0.00001.

Submission:

Labcorp Genetics (formerly Invitae), Labcorp
Classification: Pathogenic for MHC class II deficiency. Last evaluated: 2023-08-04. Review status: criteria provided, single submitter. Criteria: Invitae Variant Classification Sherloc (09022015). Collection method: clinical testing. Allele origin: germline.
Comment: This variant disrupts a region of the RFX5 protein in which other variant(s) (p.Ser571Glnfs*22) have been determined to be pathogenic (Invitae). This suggests that this is a clinically significant region of the protein, and that variants that disrupt it are likely to be disease-causing. ClinVar contains an entry for this variant (Variation ID: 2114173). This variant has not been reported in the literature in individuals affected with RFX5-related conditions. This variant is present in population databases (rs779214753, gnomAD 0.003%). This sequence change creates a premature translational stop signal (p.Ala459Serfs*3) in the RFX5 gene. While this is not anticipated to result in nonsense mediated decay, it is expected to disrupt the last 158 amino acid(s) of the RFX5 protein. For these reasons, this variant has been classified as Pathogenic.

NM_001025603.2(RFX5):c.1374dup (p.Ala459fs)

Gene: RFX5 (regulatory factor X5; minus strand). Cytogenetic location: 1q21.3.
Variant type: Duplication.
Coding change: c.1374dup on transcript NM_001025603.2 (MANE Select); coding-DNA position 1374, one base duplicated (A; older notation c.1374dupA).
Protein change: p.Ala459fs; shifts the reading frame from alanine 459.
Molecular consequence: frameshift variant.
Genome position (GRCh38, 1-based): chr1:151,342,663, T duplicated on the plus strand (A on the coding strand, the reverse complement: RFX5 is on the minus strand). VCF-style (leftmost placement, unchanged base first): chr1-151342662-C-CT. GRCh37 (hg19) VCF-style: chr1-151315138-C-CT.
Other names: c.1374dup, p.Ala459fs (NM_000449.4, NM_001379412.1, NM_001379413.1 and 5 more transcripts); c.1254dup, p.Ala419fs (NM_001379419.1, NM_001379420.1); short protein forms A459fs, A419fs.
Identifiers: ClinVar variation 2114173 (VCV002114173.4), dbSNP rs779214753, ClinGen allele CA1089616.